The following is an entry in ClinVar:

ClinVar aggregate classification (germline): Uncertain significance (1 of 4 stars; one submission).

Conditions:
Hereditary cancer-predisposing syndrome. Also called: Hereditary Cancer Syndrome; Tumor predisposition; Hereditary neoplastic syndrome; Neoplastic Syndromes, Hereditary. Identifiers: Orphanet 140162, MedGen C0027672, MeSH D009386, MONDO:0015356.
Cardiovascular phenotype. Identifiers: MedGen CN230736.

Submission:

Ambry Genetics
Classification: Uncertain significance for Cardiovascular phenotype; Hereditary cancer-predisposing syndrome. Last evaluated: 2024-10-05. Review status: criteria provided, single submitter. Criteria: Ambry Variant Classification Scheme 2023. Collection method: clinical testing. Allele origin: germline.
Comment: The p.C42W variant (also known as c.126T>G), located in coding exon 2 of the NF1 gene, results from a T to G substitution at nucleotide position 126. The cysteine at codon 42 is replaced by tryptophan, an amino acid with highly dissimilar properties. This amino acid position is conserved. In addition, the in silico prediction for this alteration is inconclusive. Based on the available evidence, the clinical significance of this variant remains unclear.

NM_001042492.3(NF1):c.126T>G (p.Cys42Trp)

Gene: NF1 (neurofibromin 1; plus strand). Cytogenetic location: 17q11.2.
Variant type: single nucleotide variant.
Coding change: c.126T>G on transcript NM_001042492.3 (MANE Select); coding-DNA position 126, T replaced by G.
Protein change: p.Cys42Trp; replaces cysteine 42 with tryptophan.
Molecular consequence: missense variant.
Genome position (GRCh38, 1-based): chr17:31,156,048, T>G. VCF-style: chr17-31156048-T-G. GRCh37 (hg19) VCF-style: chr17-29483066-T-G.
Other names: c.126T>G, p.Cys42Trp (NM_000267.4, NM_001128147.3); short protein forms C42W.
Identifiers: ClinVar variation 3404780 (VCV003404780.1).